The following is an entry in ClinVar:

NM_001130144.3(LTBP3):c.2186C>A (p.Ala729Asp)

Genes: LTBP3 (latent transforming growth factor beta binding protein 3; minus strand), LOC130006030 (ATAC-STARR-seq lymphoblastoid silent region 3533; plus strand). Cytogenetic location: 11q13.1.
Variant type: single nucleotide variant.
Coding change: c.2186C>A on transcript NM_001130144.3 (MANE Select); coding-DNA position 2186, C replaced by A.
Protein change: p.Ala729Asp; replaces alanine 729 with aspartic acid.
Molecular consequence: missense variant.
Genome position (GRCh38, 1-based): chr11:65,546,842, G>T on the plus strand (C>A on the coding strand, the complement: LTBP3 is on the minus strand). VCF-style: chr11-65546842-G-T. GRCh37 (hg19) VCF-style: chr11-65314313-G-T.
Other names: c.1835C>A, p.Ala612Asp (NM_001164266.1); c.2186C>A, p.Ala729Asp (NM_021070.4); short protein forms A612D, A729D.
Identifiers: ClinVar variation 4720578 (VCV004720578.1).

ClinVar aggregate classification (germline): Uncertain significance (1 of 4 stars; one submission).

Conditions:
Brachyolmia-amelogenesis imperfecta syndrome. Also called: PLATYSPONDYLY WITH AMELOGENESIS IMPERFECTA; Tooth agenesis, selective, 6; Dental anomalies and short stature. Identifiers: Orphanet 2899, MedGen C1832594, MONDO:0011018, OMIM 601216. Disease mechanism: loss of function.

Submission:

Labcorp Genetics (formerly Invitae), Labcorp
Classification: Uncertain significance for Brachyolmia-amelogenesis imperfecta syndrome. Last evaluated: 2025-06-07. Review status: criteria provided, single submitter. Criteria: Invitae Variant Classification Sherloc (09022015). Collection method: clinical testing. Allele origin: germline.
Comment: This sequence change replaces alanine, which is neutral and non-polar, with aspartic acid, which is acidic and polar, at codon 729 of the LTBP3 protein (p.Ala729Asp). This variant is not present in population databases (gnomAD no frequency). This variant has not been reported in the literature in individuals affected with LTBP3-related conditions. An algorithm developed to predict the effect of missense changes on protein structure and function (PolyPhen-2) suggests that this variant is likely to be tolerated. In summary, the available evidence is currently insufficient to determine the role of this variant in disease. Therefore, it has been classified as a Variant of Uncertain Significance.